The following is an entry in ClinVar:

NM_152347.5(EFCAB13):c.1143A>G (p.Gln381=)

Gene: EFCAB13 (EF-hand calcium binding domain 13; plus strand). Cytogenetic location: 17q21.32.
Variant type: single nucleotide variant.
Coding change: c.1143A>G on transcript NM_152347.5 (MANE Select); coding-DNA position 1143, A replaced by G.
Protein change: p.Gln381=; no amino-acid change (glutamine 381 retained).
Molecular consequence: synonymous variant.
Genome position (GRCh38, 1-based): chr17:47,374,737, A>G. VCF-style: chr17-47374737-A-G. GRCh37 (hg19) VCF-style: chr17-45452103-A-G.
Other names: c.855A>G, p.Gln285= (NM_001195192.2, NM_001426588.1); c.1143A>G, p.Gln381= (NM_001426585.1); c.999A>G, p.Gln333= (NM_001426586.1, NM_001426587.1).
Identifiers: ClinVar variation 3038638 (VCV003038638.2), dbSNP rs543032561, ClinGen allele CA8623869.

ClinVar aggregate classification (germline): Benign (0 of 4 stars; one submission).

Conditions:
EFCAB13-related disorder. Also called: EFCAB13-related condition.

Allele frequency attached by ClinVar (database versions not stated): TOPMed 0.00014; gnomAD 0.00050; gnomAD exomes 0.00102; 1000 Genomes Project 30x 0.00141; 1000 Genomes Project 0.00180; ExAC 0.00212.
gnomAD v4.1: 1,548 of 1,614,152 alleles (0.096%); highest among the groups gnomAD compares: South Asian, 1.5%; 29 homozygotes.

Submission:

PreventionGenetics, part of Exact Sciences
Classification: Benign for EFCAB13-related condition. Last evaluated: 2019-05-24. Review status: no assertion criteria provided. Collection method: clinical testing. Allele origin: germline.
Comment: This variant is classified as benign based on ACMG/AMP sequence variant interpretation guidelines (Richards et al. 2015 PMID: 25741868, with internal and published modifications).